The following is an entry in ClinVar:

ClinVar aggregate classification (germline): Uncertain significance (1 of 4 stars; one submission).

Submission:

Labcorp Genetics (formerly Invitae), Labcorp
Classification: Uncertain significance. Last evaluated: 2023-03-08. Review status: criteria provided, single submitter. Criteria: Invitae Variant Classification Sherloc (09022015). Collection method: clinical testing. Allele origin: germline.
Comment: In summary, the available evidence is currently insufficient to determine the role of this variant in disease. Therefore, it has been classified as a Variant of Uncertain Significance. This variant, c.18_35dup, results in the insertion of 6 amino acid(s) of the SIAE protein (p.Val7_Leu12dup), but otherwise preserves the integrity of the reading frame. This variant is present in population databases (no rsID available, gnomAD 0.0009%). This variant has not been reported in the literature in individuals affected with SIAE-related conditions. ClinVar contains an entry for this variant (Variation ID: 1359862). Experimental studies and prediction algorithms are not available or were not evaluated, and the functional significance of this variant is currently unknown.

NM_170601.5(SIAE):c.18_35dup (p.Val7_Leu12dup)

Gene: SIAE (sialic acid acetylesterase; minus strand). Cytogenetic location: 11q24.2.
Variant type: Duplication.
Coding change: c.18_35dup on transcript NM_170601.5 (MANE Select); coding-DNA positions 18 to 35, 18 bases duplicated (TGTACTCGGGCTGGTGCT).
Protein change: p.Val7_Leu12dup.
Molecular consequence: inframe insertion. On other transcripts: intron variant (1).
Genome position (GRCh38, 1-based): chr11:124,673,674-124,673,691, AGCACCAGCCCGAGTACA duplicated on the plus strand (TGTACTCGGGCTGGTGCT on the coding strand, the reverse complement: SIAE is on the minus strand); duplicating any 18 consecutive bases within chr11:124,673,674-124,673,694 gives the same sequence; the c. name uses the placement nearest the transcript's 3' end. VCF-style (leftmost placement, unchanged base first): chr11-124673673-C-CAGCACCAGCCCGAGTACA. GRCh37 (hg19) VCF-style: chr11-124543569-C-CAGCACCAGCCCGAGTACA.
Other names: c.-39+1567_-39+1584dup (NM_001199922.2).
Identifiers: ClinVar variation 1359862 (VCV001359862.6), dbSNP rs1227388994, ClinGen allele CA602294288.
Genomic context (GRCh38, chr11:124,673,673, plus strand): 5'-AGGGGTCCGGCCGAGCCGGGCCGCCTCACCTGCACTTCTGTCGGCCCACAGGATTAATGG[C>CAGCACCAGCCCGAGTACA]AGCACCAGCCCGAGTACAAGCCCCGGCGCGACCATGCTTGCAAGGATCTGACCGCCGCCT-3'